The following is an entry in ClinVar:

ClinVar aggregate classification (germline): Uncertain significance (1 of 4 stars; one submission).

Submission:

CeGaT Center for Human Genetics Tuebingen
Classification: Uncertain significance. Last evaluated: 2026-01-01. Review status: criteria provided, single submitter. Criteria: CeGaT Center For Human Genetics Tuebingen Variant Classification Criteria Version 2. Collection method: clinical testing. Allele origin: germline. Affected: yes. Observed: 1 variant allele.
Comment: EFNB1: PM2

NM_004429.5(EFNB1):c.89A>G (p.Lys30Arg)

Gene: EFNB1 (ephrin B1; plus strand). Cytogenetic location: Xq13.1.
Variant type: single nucleotide variant.
Coding change: c.89A>G on transcript NM_004429.5 (MANE Select); coding-DNA position 89, A replaced by G.
Protein change: p.Lys30Arg; replaces lysine 30 with arginine.
Molecular consequence: missense variant.
Genome position (GRCh38, 1-based): chrX:68,829,865, A>G. VCF-style: chrX-68829865-A-G. GRCh37 (hg19) VCF-style: chrX-68049708-A-G.
Other names: short protein forms K30R.
Identifiers: ClinVar variation 4823205 (VCV004823205.4).